The following is an entry in ClinVar:

NM_032043.3(BRIP1):c.3529A>G (p.Lys1177Glu)

Gene: BRIP1 (BRCA1 interacting DNA helicase 1; minus strand). Cytogenetic location: 17q23.2.
Variant type: single nucleotide variant.
Coding change: c.3529A>G on transcript NM_032043.3 (MANE Select); coding-DNA position 3529, A replaced by G.
Protein change: p.Lys1177Glu; replaces lysine 1177 with glutamic acid.
Molecular consequence: missense variant.
Genome position (GRCh38, 1-based): chr17:61,683,517, T>C on the plus strand (A>G on the coding strand, the complement: BRIP1 is on the minus strand). VCF-style: chr17-61683517-T-C. GRCh37 (hg19) VCF-style: chr17-59760878-T-C.
Other names: short protein forms K1177E.
Identifiers: ClinVar variation 823885 (VCV000823885.11), dbSNP rs756313788, ClinGen allele CA400478402.

ClinVar aggregate classification (germline): Uncertain significance. Review status: criteria provided, multiple submitters, no conflicts (2 of 4 stars). 4 submissions from 4 submitters: Uncertain significance (4). Last evaluated 2025-09-08.

Conditions:
Hereditary cancer-predisposing syndrome. Also called: Hereditary Cancer Syndrome; Neoplastic Syndromes, Hereditary; Tumor predisposition; Hereditary neoplastic syndrome. Identifiers: Orphanet 140162, MedGen C0027672, MeSH D009386, MONDO:0015356.

Submissions (4):

Dasa
Classification: Uncertain significance. Last evaluated: 2025-09-08. Review status: criteria provided, single submitter. Criteria: DASA Assertion Criteria. Collection method: clinical testing. Allele origin: germline.
Comment: NM_032043.3(BRIP1):c.3529A>G (p.Lys1177Glu) is a missense variant that results in the substitution of lysine with glutamic acid. This variant is absent from population databases. The currently available literature and clinical evidence are not sufficient to establish a definitive association between this variant and the reported condition. Therefore, this variant is classified as a variant of uncertain significance.

Color Diagnostics, LLC DBA Color Health
Classification: Uncertain significance for Hereditary cancer-predisposing syndrome. Last evaluated: 2023-02-27. Review status: criteria provided, single submitter. Criteria: ACMG Guidelines, 2015. Collection method: clinical testing. Allele origin: germline.
Comment: This missense variant replaces lysine with glutamic acid at codon 1177 of the BRIP1 protein. Computational prediction suggests that this variant may not impact protein structure and function (internally defined REVEL score threshold <= 0.5, PMID: 27666373). To our knowledge, functional studies have not been reported for this variant. This variant has not been reported in individuals affected with BRIP1-related disorders in the literature. This variant has not been identified in the general population by the Genome Aggregation Database (gnomAD). The available evidence is insufficient to determine the role of this variant in disease conclusively. Therefore, this variant is classified as a Variant of Uncertain Significance.

GeneDx
Classification: Uncertain significance. Last evaluated: 2022-07-26. Review status: criteria provided, single submitter. Criteria: GeneDx Variant Classification Process June 2021. Collection method: clinical testing. Allele origin: germline. Affected: yes.
Comment: Not observed at significant frequency in large population cohorts (gnomAD); In silico analysis supports that this missense variant does not alter protein structure/function; Has not been previously published as pathogenic or benign to our knowledge

Ambry Genetics
Classification: Uncertain significance for Hereditary cancer-predisposing syndrome. Last evaluated: 2019-11-08. Review status: criteria provided, single submitter. Criteria: Ambry Variant Classification Scheme 2023. Collection method: clinical testing. Allele origin: germline.
Comment: The p.K1177E variant (also known as c.3529A>G), located in coding exon 19 of the BRIP1 gene, results from an A to G substitution at nucleotide position 3529. The lysine at codon 1177 is replaced by glutamic acid, an amino acid with similar properties. This amino acid position is not well conserved in available vertebrate species. In addition, this alteration is predicted to be tolerated by in silico analysis. Since supporting evidence is limited at this time, the clinical significance of this alteration remains unclear.